The following is an entry in ClinVar:

NM_000540.3(RYR1):c.3719G>T (p.Gly1240Val)

Gene: RYR1 (ryanodine receptor 1; plus strand). Cytogenetic location: 19q13.2.
Variant type: single nucleotide variant.
Coding change: c.3719G>T on transcript NM_000540.3 (MANE Select); coding-DNA position 3719, G replaced by T.
Protein change: p.Gly1240Val; replaces glycine 1240 with valine.
Molecular consequence: missense variant.
Genome position (GRCh38, 1-based): chr19:38,469,467, G>T. VCF-style: chr19-38469467-G-T. GRCh37 (hg19) VCF-style: chr19-38960107-G-T.
Other names: c.3719G>T, p.Gly1240Val (NM_001042723.2); short protein forms G1240V.
Identifiers: ClinVar variation 972951 (VCV000972951.5), dbSNP rs1374486975, ClinGen allele CA405639761.

ClinVar aggregate classification (germline): Uncertain significance. Review status: criteria provided, multiple submitters, no conflicts (2 of 4 stars). 2 submissions from 2 submitters: Uncertain significance (2). Last evaluated 2024-07-31.

Conditions:
RYR1-related disorder. Also called: RYR1-related condition; RYR1-related disorders. Identifiers: MedGen CN239331.
Malignant hyperthermia, susceptibility to, 1 (MHS1). Also called: Anesthesia related hyperthermia; Malignant hyperpyrexia; Fulminating hyperpyrexia; Pharmacogenic myopathy; Malignant hyperthermia suceptibility 1; RYR1-Related Malignant Hyperthermia Susceptibility. Identifiers: Orphanet 423, MedGen C2930980, MONDO:0007783, OMIM 145600.
Congenital multicore myopathy with external ophthalmoplegia (CMYO1B). Also called: Minicore myopathy with external ophthalmoplegia; Congenital myopathy 1B, autosomal recessive; Minicore myopathy; MULTICORE MYOPATHY; MULTIMINICORE DISEASE WITH EXTERNAL OPHTHALMOPLEGIA. Identifiers: Orphanet 598, Orphanet 98905, MedGen C1850674, MONDO:0009712, OMIM 255320, HP:0003789.
Central core myopathy (CMYO1A). Also called: CONGENITAL MYOPATHY 1A, AUTOSOMAL DOMINANT, WITH SUSCEPTIBILITY TO MALIGNANT HYPERTHERMIA; Central core disease; Myopathy, central fibrillar. Identifiers: Orphanet 597, MedGen C5830701, MONDO:0007294, OMIM 117000.

Allele frequency attached by ClinVar (database versions not stated): TOPMed below 0.00001; gnomAD exomes 0.00001.
gnomAD v4.1: 9 of 1,614,122 alleles (0.00056%); highest among the groups gnomAD compares: African/African-American, 0.0067%; no homozygotes.

Submissions (2):

Labcorp Genetics (formerly Invitae), Labcorp
Classification: Uncertain significance for RYR1-related disorder. Last evaluated: 2024-07-31. Review status: criteria provided, single submitter. Criteria: Invitae Variant Classification Sherloc (09022015). Collection method: clinical testing. Allele origin: germline.
Comment: This sequence change replaces glycine, which is neutral and non-polar, with valine, which is neutral and non-polar, at codon 1240 of the RYR1 protein (p.Gly1240Val). This variant is present in population databases (no rsID available, gnomAD 0.007%). This variant has not been reported in the literature in individuals affected with RYR1-related conditions. ClinVar contains an entry for this variant (Variation ID: 972951). Advanced modeling of protein sequence and biophysical properties (such as structural, functional, and spatial information, amino acid conservation, physicochemical variation, residue mobility, and thermodynamic stability) performed at Invitae indicates that this missense variant is not expected to disrupt RYR1 protein function with a negative predictive value of 95%. In summary, the available evidence is currently insufficient to determine the role of this variant in disease. Therefore, it has been classified as a Variant of Uncertain Significance.

PreventionGenetics, part of Exact Sciences
Classification: Uncertain significance for RYR1-related condition. Last evaluated: 2022-12-14. Review status: criteria provided, single submitter. Criteria: ACMG Guidelines, 2015. Collection method: clinical testing. Allele origin: germline.
Comment: The RYR1 c.3719G>T variant is predicted to result in the amino acid substitution p.Gly1240Val. To our knowledge, this variant has not been reported in the literature. This variant is reported in 0.0062% of alleles in individuals of African descent in gnomAD. At this time, the clinical significance of this variant is uncertain due to the absence of conclusive functional and genetic evidence.